The following is an entry in ClinVar:

NM_002739.5(PRKCG):c.286-12C>A

Gene: PRKCG (protein kinase C gamma; plus strand). Cytogenetic location: 19q13.42.
Variant type: single nucleotide variant.
Coding change: c.286-12C>A on transcript NM_002739.5 (MANE Select); 12 bases into the intron before coding-DNA position 286, C replaced by A.
Molecular consequence: intron variant.
Genome position (GRCh38, 1-based): chr19:53,889,626, C>A. VCF-style: chr19-53889626-C-A. GRCh37 (hg19) VCF-style: chr19-54392880-C-A.
Other names: c.286-12C>A (LRG_669t1, NM_001316329.2).
Identifiers: ClinVar variation 330059 (VCV000330059.6), dbSNP rs143352499, ClinGen allele CA9640261.

ClinVar aggregate classification (germline): Benign/Likely benign. Review status: criteria provided, multiple submitters, no conflicts (2 of 4 stars). 2 submissions from 2 submitters: Benign (1); Likely benign (1). Last evaluated 2024-11-01.

Conditions:
Spinocerebellar ataxia type 14 (SCA14). Identifiers: Orphanet 98763, MedGen C1854369, MONDO:0011540, OMIM 605361.

Allele frequency attached by ClinVar (database versions not stated): gnomAD 0.00017 and 0.00028; gnomAD exomes 0.00034 and 0.00060; ExAC 0.00058; TOPMed 0.00061; 1000 Genomes Project 30x 0.00125; 1000 Genomes Project 0.00160.

Submissions (2):

Blueprint Genetics
Classification: Likely benign. Last evaluated: 2024-11-01. Review status: criteria provided, single submitter. Criteria: ACMG Guidelines, 2015. Collection method: clinical testing. Allele origin: germline.

Illumina Laboratory Services, Illumina
Classification: Benign for Spinocerebellar ataxia type 14. Last evaluated: 2018-01-12. Review status: criteria provided, single submitter. Criteria: ICSL Variant Classification Criteria 13 December 2019. Collection method: clinical testing. Allele origin: germline.
Comment: This variant was observed in the ICSL laboratory as part of a predisposition screen in an ostensibly healthy population. It had not been previously curated by ICSL or reported in the Human Gene Mutation Database (HGMD: prior to June 1st, 2018), and was therefore a candidate for classification through an automated scoring system. Utilizing variant allele frequency, disease prevalence and penetrance estimates, and inheritance mode, an automated score was calculated to assess if this variant is too frequent to cause the disease. Based on the score and internal cut-off values, a variant classified as benign is not then subjected to further curation. The score for this variant resulted in a classification of benign for this disease.